The following is an entry in ClinVar:

ClinVar aggregate classification (germline): Benign (1 of 4 stars; one submission).

Allele frequency attached by ClinVar (database versions not stated): 1000 Genomes Project 30x 0.10427; 1000 Genomes Project 0.10649; TOPMed 0.14172; gnomAD 0.15265 and 0.15553.
gnomAD v4.1: 16,843 of 110,412 alleles (15%); highest among the groups gnomAD compares: Middle Eastern, 18%; 1,008 homozygotes.

Submissions (4):

GeneDx
Classification: Benign. Last evaluated: 2018-06-16. Review status: criteria provided, single submitter. Criteria: GeneDx Variant Classification (06012015). Collection method: clinical testing. Allele origin: germline. Affected: yes.
Comment: This variant is considered likely benign or benign based on one or more of the following criteria: it is a conservative change, it occurs at a poorly conserved position in the protein, it is predicted to be benign by multiple in silico algorithms, and/or has population frequency not consistent with disease.

Dr. Peter K. Rogan Lab, Western University
No classification provided (evidence only). Condition: Acute myeloid leukemia. Review status: no classification provided. Collection method: in vitro. Allele origin: not applicable. Functional consequence: retained intron. Not counted in ClinVar's aggregate classification.

Dr. Peter K. Rogan Lab, Western University
No classification provided (evidence only). Condition: Cholangiocarcinoma. Review status: no classification provided. Collection method: in vitro. Allele origin: not applicable. Functional consequence: retained intron. Not counted in ClinVar's aggregate classification.

Dr. Peter K. Rogan Lab, Western University
No classification provided (evidence only). Condition: Cholangiocarcinoma. Review status: no classification provided. Collection method: in vitro. Allele origin: not applicable. Functional consequence: retained intron. Not counted in ClinVar's aggregate classification.

NM_001367721.1(CASK):c.2039+243A>G

Gene: CASK (calcium/calmodulin dependent serine protein kinase; minus strand). Cytogenetic location: Xp11.4.
Variant type: single nucleotide variant.
Coding change: c.2039+243A>G on transcript NM_001367721.1 (MANE Select); 243 bases into the intron after coding-DNA position 2039, A replaced by G.
Molecular consequence: intron variant.
Genome position (GRCh38, 1-based): chrX:41,553,476, T>C on the plus strand (A>G on the coding strand, the complement: CASK is on the minus strand). VCF-style: chrX-41553476-T-C. GRCh37 (hg19) VCF-style: chrX-41412729-T-C.
Other names: NC_000023.10:g.41412729T>C; c.1952+243A>G (NM_001126055.3); c.2021+243A>G (NM_001410745.1); c.1970+243A>G (NM_001126054.3); c.2039+243A>G (NM_003688.4).
Identifiers: ClinVar variation 680088 (VCV000680088.2), dbSNP rs5918201, ClinGen allele CA329229739.